The following is an entry in ClinVar:

NM_000129.4(F13A1):c.1757_1758del (p.Glu586fs)

Gene: F13A1 (coagulation factor XIII A chain; minus strand). Cytogenetic location: 6p25.1.
Variant type: Microsatellite.
Coding change: c.1757_1758del on transcript NM_000129.4 (MANE Select); coding-DNA positions 1757 to 1758, 2 bases deleted (AG; older notation c.1757_1758delAG).
Protein change: p.Glu586fs; shifts the reading frame from glutamic acid 586.
Molecular consequence: frameshift variant.
Genome position (GRCh38, 1-based): chr6:6,167,608-6,167,609, CT deleted on the plus strand (AG on the coding strand, the reverse complement: F13A1 is on the minus strand); deleting any 2 consecutive bases within chr6:6,167,608-6,167,611 gives the same sequence; the c. name uses the placement nearest the transcript's 3' end. VCF-style (leftmost placement, unchanged base first): chr6-6167607-CCT-C. GRCh37 (hg19) VCF-style: chr6-6167840-CCT-C.
Other names: short protein forms E586fs.
Identifiers: ClinVar variation 4279627 (VCV004279627.1).

ClinVar aggregate classification (germline): Likely pathogenic (1 of 4 stars; one submission).

Conditions:
Factor XIII, A subunit, deficiency of. Also called: Factor XIII subunit A deficiency. Identifiers: Orphanet 331, MedGen C2750514, MONDO:0013187, OMIM 613225, HP:0040233.

Submission:

Diagnostics Services (NGS), CSIR - Centre For Cellular And Molecular Biology
Classification: Likely pathogenic for Factor XIII, A subunit, deficiency of. Last evaluated: 2025-09-30. Review status: criteria provided, single submitter. Criteria: ACMG Guidelines, 2015. Collection method: clinical testing. Allele origin: germline. Affected: yes. Observed: 1 variant allele, 1 homozygote.
Comment: The c.1757_1758del variant is not present in publicly available population databases like 1000 Genomes, EVS, gnomAD, Indian Exome Database or our internal database. This variant has neither been published in literature in individuals affected with F13A1-related conditions nor reported to the clinical databases like Human Genome Mutation Database (HGMD), ClinVar or OMIM in any affected individuals. In-silico pathogenicity prediction programs like MutationTaster2021, CADD, etc predicted this variant to be likely deleterious; however, these predictions were not confirmed by any published functional studies. This variant causes frameshift at the 586th amino acid position of the wild-type transcript that creates a premature translational stop signal at the altered transcript, that may either result in translation of a truncated protein or cause nonsense-mediated decay of the mRNA.